The following is an entry in ClinVar:

NM_000257.4(MYH7):c.4434C>G (p.Ser1478Arg)

Genes: MHRT (myosin heavy chain associated RNA transcript; plus strand), MYH7 (myosin heavy chain 7; minus strand). Cytogenetic location: 14q11.2.
Variant type: single nucleotide variant.
Coding change: c.4434C>G on transcript NM_000257.4 (MANE Select); coding-DNA position 4434, C replaced by G.
Protein change: p.Ser1478Arg; replaces serine 1478 with arginine.
Molecular consequence: missense variant. On other transcripts: non-coding transcript variant (1).
Genome position (GRCh38, 1-based): chr14:23,417,238, G>C on the plus strand (C>G on the coding strand, the complement: MYH7 is on the minus strand). VCF-style: chr14-23417238-G-C. GRCh37 (hg19) VCF-style: chr14-23886447-G-C.
Other names: c.4434C>G, p.Ser1478Arg (NM_001407004.1); short protein forms S1478R.
Identifiers: ClinVar variation 4757809 (VCV004757809.1).

ClinVar aggregate classification (germline): Uncertain significance (1 of 4 stars; one submission).

Conditions:
Cardiomyopathy (CMYO). Also called: Cardiomyopathies. Identifiers: Orphanet 167848, MedGen C0878544, MONDO:0004994, HP:0001638. Inheritance: Various modes of inheritance.

Submission:

Color Diagnostics, LLC DBA Color Health
Classification: Uncertain significance for Cardiomyopathy. Last evaluated: 2025-09-05. Review status: criteria provided, single submitter. Criteria: ACMG Guidelines, 2015. Collection method: clinical testing. Allele origin: germline.
Comment: This missense variant replaces serine with arginine at codon 1478 of the MYH7 protein. Computational prediction is inconclusive regarding the impact of this variant on protein structure and function. To our knowledge, functional studies have not been reported for this variant. This variant has not been reported in individuals affected with MYH7-related disorders in the literature. This variant has not been identified in the general population by the Genome Aggregation Database (gnomAD). The available evidence is insufficient to determine the role of this variant in disease conclusively. Therefore, this variant is classified as a Variant of Uncertain Significance.